The following is an entry in ClinVar:

ClinVar aggregate classification (germline): Uncertain significance (1 of 4 stars; one submission).

Allele frequency attached by ClinVar (database versions not stated): gnomAD exomes below 0.00001; TOPMed below 0.00001; gnomAD 0.00001.
gnomAD v4.1: 5 of 1,613,750 alleles (0.00031%); highest among the groups gnomAD compares: Middle Eastern, 0.016%; no homozygotes.

Submission:

Labcorp Genetics (formerly Invitae), Labcorp
Classification: Uncertain significance. Last evaluated: 2022-07-22. Review status: criteria provided, single submitter. Criteria: Invitae Variant Classification Sherloc (09022015). Collection method: clinical testing. Allele origin: germline.
Comment: This sequence change replaces serine, which is neutral and polar, with threonine, which is neutral and polar, at codon 188 of the FLNB protein (p.Ser188Thr). In summary, the available evidence is currently insufficient to determine the role of this variant in disease. Therefore, it has been classified as a Variant of Uncertain Significance. Advanced modeling of protein sequence and biophysical properties (such as structural, functional, and spatial information, amino acid conservation, physicochemical variation, residue mobility, and thermodynamic stability) performed at Invitae indicates that this missense variant is not expected to disrupt FLNB protein function. This variant has not been reported in the literature in individuals affected with FLNB-related conditions. This variant is present in population databases (no rsID available, gnomAD 0.0009%).

NM_001457.4(FLNB):c.562T>A (p.Ser188Thr)

Gene: FLNB (filamin B; plus strand). Cytogenetic location: 3p14.3.
Variant type: single nucleotide variant.
Coding change: c.562T>A on transcript NM_001457.4 (MANE Select); coding-DNA position 562, T replaced by A.
Protein change: p.Ser188Thr; replaces serine 188 with threonine.
Molecular consequence: missense variant.
Genome position (GRCh38, 1-based): chr3:58,078,737, T>A. VCF-style: chr3-58078737-T-A. GRCh37 (hg19) VCF-style: chr3-58064464-T-A.
Other names: c.562T>A, p.Ser188Thr (NM_001164317.2, NM_001164318.2, NM_001164319.2); short protein forms S188T.
Identifiers: ClinVar variation 2186687 (VCV002186687.4), dbSNP rs1462354199, ClinGen allele CA353333801.
Genomic context (GRCh38, chr3:58,078,737, plus strand): 5'-TCAGCTAATGCTAAAAGAATCTTTTGTGTTCTGTTAACAGGTCTGTGCCCAGACTGGGAA[T>A]CCTGGGACCCGCAGAAGCCTGTGGATAATGCACGAGAAGCCATGCAGCAGGCAGATGACT-3'
Protein context (NP_001448.2, residues 178-198): CAPGLCPDWE[Ser188Thr]WDPQKPVDNA